The following is an entry in ClinVar:

ClinVar aggregate classification (germline): Uncertain significance. Review status: criteria provided, multiple submitters, no conflicts (2 of 4 stars). 2 submissions from 2 submitters: Uncertain significance (2). Last evaluated 2026-04-12.

Conditions:
Hereditary cancer-predisposing syndrome. Also called: Hereditary Cancer Syndrome; Tumor predisposition; Neoplastic Syndromes, Hereditary; Hereditary neoplastic syndrome. Identifiers: Orphanet 140162, MedGen C0027672, MeSH D009386, MONDO:0015356.
Gastrointestinal stromal tumor. Also called: Gastrointestinal stromal tumor, somatic; Gastrointestinal stroma tumor. Identifiers: Orphanet 44890, MedGen C0238198, MeSH D046152, MONDO:0011719, OMIM 606764, HP:0100723.

gnomAD v4.1: 1 of 1,612,422 alleles (0.000062%); highest among the groups gnomAD compares: Non-Finnish European, 0.000085%; no homozygotes.

Submissions (2):

Ambry Genetics
Classification: Uncertain significance for Hereditary cancer-predisposing syndrome. Last evaluated: 2026-04-12. Review status: criteria provided, single submitter. Criteria: Ambry Variant Classification Scheme 2023. Collection method: clinical testing. Allele origin: germline.
Comment: The p.N719H variant (also known as c.2155A>C), located in coding exon 15 of the KIT gene, results from an A to C substitution at nucleotide position 2155. The asparagine at codon 719 is replaced by histidine, an amino acid with similar properties. This amino acid position is conserved. In addition, this alteration is predicted to be tolerated by in silico analysis. Based on the available evidence, the clinical significance of this variant remains unclear.

Labcorp Genetics (formerly Invitae), Labcorp
Classification: Uncertain significance for Gastrointestinal stromal tumor. Last evaluated: 2023-03-29. Review status: criteria provided, single submitter. Criteria: Invitae Variant Classification Sherloc (09022015). Collection method: clinical testing. Allele origin: germline.
Comment: This sequence change replaces asparagine, which is neutral and polar, with histidine, which is basic and polar, at codon 719 of the KIT protein (p.Asn719His). This variant is not present in population databases (gnomAD no frequency). This variant has not been reported in the literature in individuals affected with KIT-related conditions. ClinVar contains an entry for this variant (Variation ID: 575046). An algorithm developed to predict the effect of missense changes on protein structure and function (PolyPhen-2) suggests that this variant is likely to be disruptive. In summary, the available evidence is currently insufficient to determine the role of this variant in disease. Therefore, it has been classified as a Variant of Uncertain Significance.

NM_000222.3(KIT):c.2155A>C (p.Asn719His)

Gene: KIT (KIT proto-oncogene, receptor tyrosine kinase; plus strand). Cytogenetic location: 4q12.
Variant type: single nucleotide variant.
Coding change: c.2155A>C on transcript NM_000222.3 (MANE Select); coding-DNA position 2155, A replaced by C.
Protein change: p.Asn719His; replaces asparagine 719 with histidine.
Molecular consequence: missense variant.
Genome position (GRCh38, 1-based): chr4:54,731,341, A>C. VCF-style: chr4-54731341-A-C. GRCh37 (hg19) VCF-style: chr4-55597507-A-C.
Other names: c.2143A>C, p.Asn715His (NM_001093772.2, NM_001385292.1); c.2158A>C, p.Asn720His (NM_001385284.1); c.2152A>C, p.Asn718His (NM_001385285.1); c.2140A>C, p.Asn714His (NM_001385286.1); c.2146A>C, p.Asn716His (NM_001385288.1); c.2155A>C, p.Asn719His (NM_001385290.1); short protein forms N719H, N715H, N714H, N716H, N718H, N720H.
Identifiers: ClinVar variation 575046 (VCV000575046.10), dbSNP rs1560420768, ClinGen allele CA356910114.